The following is an entry in ClinVar:

ClinVar aggregate classification (germline): Uncertain significance (1 of 4 stars; one submission).

Conditions:
Hereditary sensory neuropathy-deafness-dementia syndrome. Also called: Hereditary sensory neuropathy type IE; NEUROPATHY, HEREDITARY SENSORY, WITH HEARING LOSS AND DEMENTIA; HSN IE; Hereditary Sensory and Autonomic Neuropathy Type 1E (HSAN1E). Identifiers: Orphanet 456318, MedGen C3279885, MONDO:0013584, OMIM 614116.

Allele frequency attached by ClinVar (database versions not stated): gnomAD exomes 0.00001.
gnomAD v4.1: 3 of 1,597,836 alleles (0.00019%); highest among the groups gnomAD compares: Non-Finnish European, 0.00026%; no homozygotes.

Submission:

Labcorp Genetics (formerly Invitae), Labcorp
Classification: Uncertain significance for Hereditary sensory neuropathy-deafness-dementia syndrome. Last evaluated: 2021-12-09. Review status: criteria provided, single submitter. Criteria: Invitae Variant Classification Sherloc (09022015). Collection method: clinical testing. Allele origin: germline.
Comment: This sequence change replaces leucine, which is neutral and non-polar, with isoleucine, which is neutral and non-polar, at codon 1280 of the DNMT1 protein (p.Leu1280Ile). This variant is not present in population databases (gnomAD no frequency). This variant has not been reported in the literature in individuals affected with DNMT1-related conditions. Algorithms developed to predict the effect of missense changes on protein structure and function are either unavailable or do not agree on the potential impact of this missense change (SIFT: "Deleterious"; PolyPhen-2: "Possibly Damaging"; Align-GVGD: "Class C0"). In summary, the available evidence is currently insufficient to determine the role of this variant in disease. Therefore, it has been classified as a Variant of Uncertain Significance.

NM_001130823.3(DNMT1):c.3838C>A (p.Leu1280Ile)

Gene: DNMT1 (DNA methyltransferase 1; minus strand). Cytogenetic location: 19p13.2.
Variant type: single nucleotide variant.
Coding change: c.3838C>A on transcript NM_001130823.3 (MANE Select); coding-DNA position 3838, C replaced by A.
Protein change: p.Leu1280Ile; replaces leucine 1280 with isoleucine.
Molecular consequence: missense variant.
Genome position (GRCh38, 1-based): chr19:10,139,786, G>T on the plus strand (C>A on the coding strand, the complement: DNMT1 is on the minus strand). VCF-style: chr19-10139786-G-T. GRCh37 (hg19) VCF-style: chr19-10250462-G-T.
Other names: c.3790C>A, p.Leu1264Ile (NM_001318730.2, NM_001379.4); c.3475C>A, p.Leu1159Ile (NM_001318731.2); short protein forms L1159I, L1264I, L1280I.
Identifiers: ClinVar variation 1473972 (VCV001473972.5), dbSNP rs1178617228, ClinGen allele CA403972543.